The following is an entry in ClinVar:

ClinVar aggregate classification (germline): Uncertain significance (1 of 4 stars; one submission).

Conditions:
Dyskeratosis congenita, autosomal recessive 5 (DKCB5). Identifiers: MedGen C3554656, MONDO:0014076, OMIM 615190.
Pulmonary fibrosis and/or bone marrow failure, Telomere-related, 3. Also called: PULMONARY FIBROSIS AND/OR BONE MARROW FAILURE SYNDROME, TELOMERE-RELATED, 3. Identifiers: Orphanet 2032, MedGen C4225346, MONDO:0014613, OMIM 616373.

gnomAD v4.1: 1 of 1,614,208 alleles (0.000062%); no homozygotes.

Submission:

Labcorp Genetics (formerly Invitae), Labcorp
Classification: Uncertain significance for Dyskeratosis congenita, autosomal recessive 5; Pulmonary fibrosis and/or bone marrow failure, Telomere-related, 3. Last evaluated: 2025-12-02. Review status: criteria provided, single submitter. Criteria: Invitae Variant Classification Sherloc (09022015). Collection method: clinical testing. Allele origin: germline.
Comment: This sequence change falls in intron 10 of the RTEL1 gene. It does not directly change the encoded amino acid sequence of the RTEL1 protein. This variant is present in population databases (no rsID available, gnomAD 0.01%). This variant has not been reported in the literature in individuals affected with RTEL1-related conditions. Algorithms developed to predict the effect of sequence changes on RNA splicing suggest that this variant may disrupt the consensus splice site. In summary, the available evidence is currently insufficient to determine the role of this variant in disease. Therefore, it has been classified as a Variant of Uncertain Significance.

NM_001283009.2(RTEL1):c.920-5C>G

Genes: RTEL1 (regulator of telomere elongation helicase 1; plus strand), RTEL1-TNFRSF6B (RTEL1-TNFRSF6B readthrough (NMD candidate); plus strand). Cytogenetic location: 20q13.33.
Variant type: single nucleotide variant.
Coding change: c.920-5C>G on transcript NM_001283009.2 (MANE Select); 5 bases into the intron before coding-DNA position 920, C replaced by G.
Molecular consequence: intron variant.
Genome position (GRCh38, 1-based): chr20:63,678,140, C>G. VCF-style: chr20-63678140-C-G. GRCh37 (hg19) VCF-style: chr20-62309493-C-G.
Other names: c.251-5C>G (NM_001283010.1); c.992-5C>G (NM_032957.5); c.920-5C>G (NM_016434.4).
Identifiers: ClinVar variation 4790276 (VCV004790276.1).
Genomic context (GRCh38, chr20:63,678,140, plus strand): 5'-CTCAAGGGCGGGGTTGTTGGCACGAGCGTGATGCAGACTGCCTTTGCTGCCTTTCTCTTG[C>G]CCAGGGCTGAACATGGAGCTGGAAGACATTGCAAAGCTGAAGAGTAAGTGTTGCCCTCCC-3'